The following is an entry in ClinVar:

ClinVar aggregate classification (germline): Uncertain significance (1 of 4 stars; one submission).

Conditions:
Renal cell carcinoma. Identifiers: Orphanet 217071, MedGen C0007134, MeSH D002292, MONDO:0005086, HP:0005584.

Submission:

Labcorp Genetics (formerly Invitae), Labcorp
Classification: Uncertain significance for Renal cell carcinoma. Last evaluated: 2023-07-10. Review status: criteria provided, single submitter. Criteria: Invitae Variant Classification Sherloc (09022015). Collection method: clinical testing. Allele origin: germline.
Comment: This sequence change replaces alanine, which is neutral and non-polar, with threonine, which is neutral and polar, at codon 729 of the MET protein (p.Ala729Thr). This variant is not present in population databases (gnomAD no frequency). This variant has not been reported in the literature in individuals affected with MET-related conditions. Advanced modeling of protein sequence and biophysical properties (such as structural, functional, and spatial information, amino acid conservation, physicochemical variation, residue mobility, and thermodynamic stability) performed at Invitae indicates that this missense variant is not expected to disrupt MET protein function. In summary, the available evidence is currently insufficient to determine the role of this variant in disease. Therefore, it has been classified as a Variant of Uncertain Significance.

NM_000245.4(MET):c.2185G>A (p.Ala729Thr)

Gene: MET (MET proto-oncogene, receptor tyrosine kinase; plus strand). Cytogenetic location: 7q31.2.
Variant type: single nucleotide variant.
Coding change: c.2185G>A on transcript NM_000245.4 (MANE Select); coding-DNA position 2185, G replaced by A.
Protein change: p.Ala729Thr; replaces alanine 729 with threonine.
Molecular consequence: missense variant.
Genome position (GRCh38, 1-based): chr7:116,758,541, G>A. VCF-style: chr7-116758541-G-A. GRCh37 (hg19) VCF-style: chr7-116398595-G-A.
Other names: c.2185G>A, p.Ala729Thr (NM_001127500.3, NM_001324401.3); c.895G>A, p.Ala299Thr (NM_001324402.2); short protein forms A299T, A729T.
Identifiers: ClinVar variation 2886806 (VCV002886806.3), dbSNP rs2116931414, ClinGen allele CA368980658.